The following is an entry in ClinVar:

NM_015272.5(RPGRIP1L):c.3920A>G (p.Lys1307Arg)

Gene: RPGRIP1L (RPGRIP1 like; minus strand). Cytogenetic location: 16q12.2.
Variant type: single nucleotide variant.
Coding change: c.3920A>G on transcript NM_015272.5 (MANE Select); coding-DNA position 3920, A replaced by G.
Protein change: p.Lys1307Arg; replaces lysine 1307 with arginine.
Molecular consequence: missense variant.
Genome position (GRCh38, 1-based): chr16:53,602,104, T>C on the plus strand (A>G on the coding strand, the complement: RPGRIP1L is on the minus strand). VCF-style: chr16-53602104-T-C. GRCh37 (hg19) VCF-style: chr16-53636016-T-C.
Other names: c.3680A>G, p.Lys1227Arg (NM_001127897.4); c.3782A>G, p.Lys1261Arg (NM_001308334.3); c.3818A>G, p.Lys1273Arg (NM_001330538.2); c.3920A>G (NM_015272.2, NM_015272.4); short protein forms K1227R, K1261R, K1273R, K1307R.
Identifiers: ClinVar variation 1016406 (VCV001016406.9), dbSNP rs139246920, ClinGen allele CA8057122.
Genomic context (GRCh38, chr16:53,602,104, plus strand): 5'-AGGAGTAGGAGATGCCTCTGGAGCATTTGCTTTCAAGCCTCCAAGTCATCTCTGTATTGC[T>C]TGTAGACAGACTGGAGGGCATGGAGAGCTTCGACTGTTACCCTGAGCTTGCCAATACCTT-3'
Protein context (NP_056087.2, residues 1297-1315): EALHALQSVY[Lys1307Arg]QYRDDLEA

ClinVar aggregate classification (germline): Uncertain significance. Review status: criteria provided, multiple submitters, no conflicts (2 of 4 stars). 5 submissions from 5 submitters: Uncertain significance (3). 2 of the submissions do not count toward it. Last evaluated 2025-11-06.

Conditions:
RPGRIP1L-related disorder. Also called: RPGRIP1L-related disorders; RPGRIP1L-related condition. Identifiers: MedGen CN239416.
Inborn genetic diseases. Identifiers: MedGen C0950123, MeSH D030342.
Joubert syndrome. Also called: JOUBERT-BOLTSHAUSER SYNDROME; Familial aplasia of the vermis. Identifiers: Orphanet 475, MedGen C5979921, MONDO:0018772.
Meckel-Gruber syndrome. Also called: DYSENCEPHALIA SPLANCHNOCYSTICA; GRUBER SYNDROME; Dysencephalia splachnocystica. Identifiers: Orphanet 564, MedGen C0265215, MONDO:0018921.

Allele frequency attached by ClinVar (database versions not stated): gnomAD exomes 0.00001 and 0.00002; gnomAD 0.00003; TOPMed 0.00003; ESP Exome Variant Server 0.00008; ExAC 0.00003.

Submissions (5):

Ambry Genetics
Classification: Uncertain significance for Inborn genetic diseases. Last evaluated: 2025-11-06. Review status: criteria provided, single submitter. Criteria: Ambry Variant Classification Scheme 2023. Collection method: clinical testing. Allele origin: germline.

GeneDx
Classification: Uncertain significance. Last evaluated: 2024-12-26. Review status: criteria provided, single submitter. Criteria: GeneDx Variant Classification Process June 2021. Collection method: clinical testing. Allele origin: germline. Affected: yes.
Comment: Not observed at significant frequency in large population cohorts (gnomAD); In silico analysis indicates that this missense variant does not alter protein structure/function; Has not been previously published as pathogenic or benign to our knowledge

Labcorp Genetics (formerly Invitae), Labcorp
Classification: Uncertain significance for Joubert syndrome; Meckel-Gruber syndrome. Last evaluated: 2024-12-02. Review status: criteria provided, single submitter. Criteria: Invitae Variant Classification Sherloc (09022015). Collection method: clinical testing. Allele origin: germline.
Comment: This sequence change replaces lysine, which is basic and polar, with arginine, which is basic and polar, at codon 1307 of the RPGRIP1L protein (p.Lys1307Arg). This variant is present in population databases (rs139246920, gnomAD 0.01%). This variant has not been reported in the literature in individuals affected with RPGRIP1L-related conditions. ClinVar contains an entry for this variant (Variation ID: 1016406). An algorithm developed to predict the effect of missense changes on protein structure and function (PolyPhen-2) suggests that this variant¬¨‚Ä†is likely to be tolerated. In summary, the available evidence is currently insufficient to determine the role of this variant in disease. Therefore, it has been classified as a Variant of Uncertain Significance.

PreventionGenetics, part of Exact Sciences
Classification: Uncertain significance for RPGRIP1L-related condition. Last evaluated: 2024-02-29. Review status: no assertion criteria provided. Collection method: clinical testing. Allele origin: germline. Not counted in ClinVar's aggregate classification.
Comment: The RPGRIP1L c.3920A>G variant is predicted to result in the amino acid substitution p.Lys1307Arg. To our knowledge, this variant has not been reported in the literature. This variant is reported in 0.012% of alleles in individuals of African descent in gnomAD. At this time, the clinical significance of this variant is uncertain due to the absence of conclusive functional and genetic evidence.

Natera, Inc.
Classification: Uncertain significance for Joubert syndrome. Last evaluated: 2020-12-23. Review status: no assertion criteria provided. Collection method: clinical testing. Allele origin: germline. Not counted in ClinVar's aggregate classification.